The following is an entry in ClinVar:

NM_201384.3(PLEC):c.3901A>G (p.Lys1301Glu)

Gene: PLEC (plectin; minus strand). Cytogenetic location: 8q24.3.
Variant type: single nucleotide variant.
Coding change: c.3901A>G on transcript NM_201384.3 (MANE Select); coding-DNA position 3901, A replaced by G.
Protein change: p.Lys1301Glu; replaces lysine 1301 with glutamic acid.
Molecular consequence: missense variant.
Genome position (GRCh38, 1-based): chr8:143,927,021, T>C on the plus strand (A>G on the coding strand, the complement: PLEC is on the minus strand). VCF-style: chr8-143927021-T-C. GRCh37 (hg19) VCF-style: chr8-145001189-T-C.
Other names: c.3982A>G, p.Lys1328Glu (NM_000445.5, NM_001410941.1); c.3859A>G, p.Lys1287Glu (NM_201378.4); c.3835A>G, p.Lys1279Glu (NM_201379.3); c.4312A>G, p.Lys1438Glu (NM_201380.4); c.3805A>G, p.Lys1269Glu (NM_201381.3); c.3901A>G, p.Lys1301Glu (NM_201382.4); c.3913A>G, p.Lys1305Glu (NM_201383.3); short protein forms K1269E, K1279E, K1287E, K1301E, K1305E, K1328E, K1438E.
Identifiers: ClinVar variation 3900243 (VCV003900243.1).

ClinVar aggregate classification (germline): Uncertain significance (1 of 4 stars; one submission).

Submission:

GeneDx
Classification: Uncertain significance. Last evaluated: 2024-11-24. Review status: criteria provided, single submitter. Criteria: GeneDx Variant Classification Process June 2021. Collection method: clinical testing. Allele origin: germline. Affected: yes.
Comment: Not observed at significant frequency in large population cohorts (gnomAD); In silico analysis supports that this missense variant has a deleterious effect on protein structure/function; Missense variant in a gene in which most reported pathogenic variants are truncating/loss of function; Has not been previously published as pathogenic or benign to our knowledge